The following is an entry in ClinVar:

NM_001256715.2(DNAAF3):c.913-8A>G

Genes: DNAAF3 (dynein axonemal assembly factor 3; minus strand), DNAAF3-AS1 (DNAAF3 antisense RNA 1; plus strand). Cytogenetic location: 19q13.42.
Variant type: single nucleotide variant.
Coding change: c.913-8A>G on transcript NM_001256715.2 (MANE Select); 8 bases into the intron before coding-DNA position 913, A replaced by G.
Molecular consequence: intron variant.
Genome position (GRCh38, 1-based): chr19:55,160,783, T>C on the plus strand (A>G on the coding strand, the complement: DNAAF3 is on the minus strand). VCF-style: chr19-55160783-T-C. GRCh37 (hg19) VCF-style: chr19-55672151-T-C.
Other names: p.?; c.1054-8A>G (NM_178837.4); c.1117-8A>G (NM_001256714.1); c.751-8A>G (NM_001256716.2).
Identifiers: ClinVar variation 257678 (VCV000257678.16), dbSNP rs71367156, ClinGen allele CA9668009.

ClinVar aggregate classification (germline): Likely benign. Review status: criteria provided, multiple submitters, no conflicts (2 of 4 stars). 4 submissions from 4 submitters: Likely benign (4). Last evaluated 2026-01-15.

Conditions:
Primary ciliary dyskinesia. Also called: Ciliary dyskinesia. Identifiers: Orphanet 244, MedGen C0008780, MONDO:0016575, HP:0012265.

Allele frequency attached by ClinVar (database versions not stated): 1000 Genomes Project 0.00060; 1000 Genomes Project 30x 0.00062; ExAC 0.00111; gnomAD exomes 0.00114 and 0.00237; TOPMed 0.00141; gnomAD 0.00144 and 0.00151; ESP Exome Variant Server 0.00159.
gnomAD v4.1: 3,633 of 1,606,684 alleles (0.23%); highest among the groups gnomAD compares: Non-Finnish European, 0.29%; 11 homozygotes.

Submissions (4):

Labcorp Genetics (formerly Invitae), Labcorp
Classification: Likely benign for Primary ciliary dyskinesia. Last evaluated: 2026-01-15. Review status: criteria provided, single submitter. Criteria: Invitae Variant Classification Sherloc (09022015). Collection method: clinical testing. Allele origin: germline.

Mayo Clinic Laboratories, Mayo Clinic
Classification: Likely benign. Last evaluated: 2025-03-19. Review status: criteria provided, single submitter. Criteria: ACMG Guidelines, 2015. Collection method: clinical testing. Allele origin: germline. Observed: 1 variant allele.
Comment: BS2, BP4, BP7

Blueprint Genetics
Classification: Likely benign. Last evaluated: 2024-11-27. Review status: criteria provided, single submitter. Criteria: ACMG Guidelines, 2015. Collection method: clinical testing. Allele origin: germline.

PreventionGenetics, part of Exact Sciences
Classification: Likely benign. Review status: criteria provided, single submitter. Criteria: ACMG Guidelines, 2015. Collection method: clinical testing. Allele origin: germline.